The following is an entry in ClinVar:

NC_000004.11:g.(?_151223757)_(151271331_?)dup

Gene: LRBA (LPS responsive beige-like anchor protein; minus strand). Cytogenetic location: 4q31.3.
Variant type: Duplication.
Identifiers: ClinVar variation 3246683 (VCV003246683.1).

ClinVar aggregate classification (germline): Likely pathogenic (1 of 4 stars; one submission).

Conditions:
Combined immunodeficiency due to LRBA deficiency. Also called: Common variable immunodeficiency 8, with autoimmunity. Identifiers: Orphanet 445018, MedGen C3553512, MONDO:0013863, OMIM 614700.

Submission:

Labcorp Genetics (formerly Invitae), Labcorp
Classification: Likely pathogenic for Combined immunodeficiency due to LRBA deficiency. Last evaluated: 2023-03-14. Review status: criteria provided, single submitter. Criteria: Invitae Variant Classification Sherloc (09022015). Collection method: clinical testing. Allele origin: unknown.
Comment: In summary, the currently available evidence indicates that the variant is pathogenic, but additional data are needed to prove that conclusively. Therefore, this variant has been classified as Likely Pathogenic. This variant has not been reported in the literature in individuals affected with LRBA-related conditions. This variant results in a copy number gain of the genomic region encompassing exon(s) 49-54 of the LRBA gene. While the exact position of this variant cannot be determined from the data, sub-genic copy number gains are generally in tandem (PMID: 25640679). This variant is predicted to be out-of-frame, and may result in an absent or disrupted protein product. Loss-of-function variants in LRBA are known to be pathogenic (PMID: 26206937, 26768763).

Literature cited by the submitters: PubMed 25640679; PubMed 26206937; PubMed 26768763.